The following is an entry in ClinVar:

NM_001129.5(AEBP1):c.882GCTGCCCCC[3] (p.Pro300_Asp301insLeuProPro)

Gene: AEBP1 (AE binding protein 1; plus strand). Cytogenetic location: 7p13.
Variant type: Microsatellite.
Coding change: c.882GCTGCCCCC[3] on transcript NM_001129.5 (MANE Select); three copies in a row of the 9-base unit GCTGCCCCC starting at c.882; the reference has two copies in a row; one copy, 9 bases duplicated.
Protein change: p.Pro300_Asp301insLeuProPro.
Genome position (GRCh38, 1-based): chr7:44,108,035-44,108,043, GCTGCCCCC duplicated; duplicating any 9 consecutive bases within chr7:44,108,026-44,108,043 gives the same sequence; the position shown is the placement nearest the transcript's 3' end. VCF-style (leftmost placement, unchanged base first): chr7-44108025-T-TGCTGCCCCC. GRCh37 (hg19) VCF-style: chr7-44147624-T-TGCTGCCCCC.
Other names: c.891_899dupGCTGCCCCC (NM_001129.5).
Identifiers: ClinVar variation 4687107 (VCV004687107.1).

ClinVar aggregate classification (germline): Uncertain significance (1 of 4 stars; one submission).

Submission:

Women's Health and Genetics/Laboratory Corporation of America, LabCorp
Classification: Uncertain significance. Last evaluated: 2025-10-31. Review status: criteria provided, single submitter. Criteria: LabCorp Variant Classification Summary - May 2015. Collection method: clinical testing. Allele origin: germline.
Comment: Variant summary: AEBP1 c.891_899dupGCTGCCCCC (p.Leu298_Pro300dup) results in an in-frame duplication that is predicted to duplicate three amino acids into the encoded protein. The variant allele was found at a frequency of 4.5e-06 in 220206 control chromosomes. The available data on variant occurrences in the general population are insufficient to allow any conclusion about variant significance. To our knowledge, no occurrence of c.891_899dupGCTGCCCCC in individuals affected with AEBP1-related conditions and no experimental evidence demonstrating its impact on protein function have been reported. No submitters have cited clinical-significance assessments for this variant to ClinVar. Based on the evidence outlined above, the variant was classified as uncertain significance.